The following is an entry in ClinVar:

ClinVar aggregate classification (germline): Uncertain significance (1 of 4 stars; one submission).

gnomAD v4.1: 2 of 1,613,112 alleles (0.00012%); highest among the groups gnomAD compares: Admixed American, 0.0017%; no homozygotes.

Submission:

Labcorp Genetics (formerly Invitae), Labcorp
Classification: Uncertain significance. Last evaluated: 2025-10-24. Review status: criteria provided, single submitter. Criteria: Invitae Variant Classification Sherloc (09022015). Collection method: clinical testing. Allele origin: germline.
Comment: This sequence change replaces proline, which is neutral and non-polar, with arginine, which is basic and polar, at codon 164 of the CFH protein (p.Pro164Arg). This variant is not present in population databases (gnomAD no frequency). This variant has not been reported in the literature in individuals affected with CFH-related conditions. An algorithm developed to predict the effect of missense changes on protein structure and function (PolyPhen-2) suggests that this variant is likely to be tolerated. In summary, the available evidence is currently insufficient to determine the role of this variant in disease. Therefore, it has been classified as a Variant of Uncertain Significance.

NM_000186.4(CFH):c.491C>G (p.Pro164Arg)

Gene: CFH (complement factor H; plus strand). Cytogenetic location: 1q31.3.
Variant type: single nucleotide variant.
Coding change: c.491C>G on transcript NM_000186.4 (MANE Select); coding-DNA position 491, C replaced by G.
Protein change: p.Pro164Arg; replaces proline 164 with arginine.
Molecular consequence: missense variant.
Genome position (GRCh38, 1-based): chr1:196,677,539, C>G. VCF-style: chr1-196677539-C-G. GRCh37 (hg19) VCF-style: chr1-196646669-C-G.
Other names: c.491C>G, p.Pro164Arg (NM_001014975.3); short protein forms P164R.
Identifiers: ClinVar variation 4741823 (VCV004741823.1).